The following is an entry in ClinVar:

NM_001009944.3(PKD1):c.11016+1_11016+16del

Genes: PKD1 (polycystin 1, transient receptor potential channel interacting; minus strand), PKD1-AS1 (PKD1 antisense RNA 1; plus strand). Cytogenetic location: 16p13.3.
Variant type: Deletion.
Coding change: c.11016+1_11016+16del on transcript NM_001009944.3 (MANE Select); the canonical splice donor site of the intron after coding-DNA position 11016 through 16 bases into the intron after coding-DNA position 11016, 16 bases deleted (GTGAGCCTGGGTGCGG).
Molecular consequence: splice donor variant.
Genome position (GRCh38, 1-based): chr16:2,093,528-2,093,543, CCGCACCCAGGCTCAC deleted on the plus strand (GTGAGCCTGGGTGCGG on the coding strand, the reverse complement: PKD1 is on the minus strand); deleting any 16 consecutive bases within chr16:2,093,528-2,093,548 gives the same sequence; the c. name uses the placement nearest the transcript's 3' end. VCF-style (leftmost placement, unchanged base first): chr16-2093527-GCCGCACCCAGGCTCAC-G. GRCh37 (hg19) VCF-style: chr16-2143528-GCCGCACCCAGGCTCAC-G.
Other names: c.11013+1_11013+16del (NM_000296.4).
Identifiers: ClinVar variation 4526347 (VCV004526347.1).
Genomic context (GRCh38, chr16:2,093,527, plus strand): 5'-AGTGTCCTGCGTGCATGGGTGGGAGGTGGGAGACAAGAGACGGAGGTGGCAGGGGCACAG[GCCGCACCCAGGCTCAC>G]CCGCAGCATGCCATGTAGCCTCTTGACCTTGCGGGCTTCTTCCTTGGCCAGGAAGAGTGC-3'

ClinVar aggregate classification (germline): Pathogenic (1 of 4 stars; one submission).

Submission:

Centre of Medical Genetics, University Hospital Muenster
Classification: Pathogenic. Last evaluated: 2025-01-20. Review status: criteria provided, single submitter. Criteria: ACMG Guidelines, 2015. Collection method: clinical testing. Allele origin: unknown. Affected: yes. Observed: 1 variant allele, 1 heterozygote.
Comment: ACMG categories: PVS1,PM2,PP3